The following is an entry in ClinVar:

ClinVar aggregate classification (germline): Uncertain significance (1 of 4 stars; one submission).

Conditions:
2-aminoadipic 2-oxoadipic aciduria (AAKAD). Also called: Aminoadipic aciduria; ALPHA-AMINOADIPIC AND ALPHA-KETOADIPIC ACIDURIA. Identifiers: Orphanet 79154, MedGen C1859817, MONDO:0008774, OMIM 204750.

Allele frequency attached by ClinVar (database versions not stated): TOPMed below 0.00001.

Submission:

Labcorp Genetics (formerly Invitae), Labcorp
Classification: Uncertain significance for 2-aminoadipic 2-oxoadipic aciduria. Last evaluated: 2024-04-01. Review status: criteria provided, single submitter. Criteria: Invitae Variant Classification Sherloc (09022015). Collection method: clinical testing. Allele origin: germline.
Comment: This sequence change replaces leucine, which is neutral and non-polar, with valine, which is neutral and non-polar, at codon 748 of the DHTKD1 protein (p.Leu748Val). This variant is not present in population databases (gnomAD no frequency). This variant has not been reported in the literature in individuals affected with DHTKD1-related conditions. ClinVar contains an entry for this variant (Variation ID: 1975202). Advanced modeling of protein sequence and biophysical properties (such as structural, functional, and spatial information, amino acid conservation, physicochemical variation, residue mobility, and thermodynamic stability) performed at Invitae indicates that this missense variant is not expected to disrupt DHTKD1 protein function with a negative predictive value of 80%. In summary, the available evidence is currently insufficient to determine the role of this variant in disease. Therefore, it has been classified as a Variant of Uncertain Significance.

NM_018706.7(DHTKD1):c.2242T>G (p.Leu748Val)

Gene: DHTKD1 (dehydrogenase E1 and transketolase domain containing 1; plus strand). Cytogenetic location: 10p14.
Variant type: single nucleotide variant.
Coding change: c.2242T>G on transcript NM_018706.7 (MANE Select); coding-DNA position 2242, T replaced by G.
Protein change: p.Leu748Val; replaces leucine 748 with valine.
Molecular consequence: missense variant.
Genome position (GRCh38, 1-based): chr10:12,112,987, T>G. VCF-style: chr10-12112987-T-G. GRCh37 (hg19) VCF-style: chr10-12154986-T-G.
Other names: short protein forms L748V.
Identifiers: ClinVar variation 1975202 (VCV001975202.5), dbSNP rs1348011316, ClinGen allele CA376013543.